The following is an entry in ClinVar:

ClinVar aggregate classification (germline): Uncertain significance (1 of 4 stars; one submission).

Conditions:
Sulfite oxidase deficiency due to molybdenum cofactor deficiency type C. Also called: Molybdenum cofactor deficiency, complementation group C; Molybdenum cofactor deficiency C. Identifiers: Orphanet 308400, Orphanet 833, MedGen C1854990, MONDO:0014212, OMIM 615501.

Allele frequency attached by ClinVar (database versions not stated): gnomAD exomes 0.00001.
gnomAD v4.1: 14 of 1,613,236 alleles (0.00087%); highest among the groups gnomAD compares: Non-Finnish European, 0.0012%; no homozygotes.

Submission:

Labcorp Genetics (formerly Invitae), Labcorp
Classification: Uncertain significance for Sulfite oxidase deficiency due to molybdenum cofactor deficiency type C. Last evaluated: 2022-07-25. Review status: criteria provided, single submitter. Criteria: Invitae Variant Classification Sherloc (09022015). Collection method: clinical testing. Allele origin: germline.
Comment: This sequence change replaces isoleucine, which is neutral and non-polar, with valine, which is neutral and non-polar, at codon 332 of the GPHN protein (p.Ile332Val). This variant is present in population databases (no rsID available, gnomAD 0.0009%). This variant has not been reported in the literature in individuals affected with GPHN-related conditions. ClinVar contains an entry for this variant (Variation ID: 1499758). Algorithms developed to predict the effect of missense changes on protein structure and function are either unavailable or do not agree on the potential impact of this missense change (SIFT: "Deleterious"; PolyPhen-2: "Possibly Damaging"; Align-GVGD: "Class C0"). In summary, the available evidence is currently insufficient to determine the role of this variant in disease. Therefore, it has been classified as a Variant of Uncertain Significance.

NM_020806.5(GPHN):c.994A>G (p.Ile332Val)

Gene: GPHN (gephyrin; plus strand). Cytogenetic location: 14q23.3.
Variant type: single nucleotide variant.
Coding change: c.994A>G on transcript NM_020806.5 (MANE Select); coding-DNA position 994, A replaced by G.
Protein change: p.Ile332Val; replaces isoleucine 332 with valine.
Molecular consequence: missense variant.
Genome position (GRCh38, 1-based): chr14:67,023,663, A>G. VCF-style: chr14-67023663-A-G. GRCh37 (hg19) VCF-style: chr14-67490380-A-G.
Other names: c.895A>G, p.Ile299Val (NM_001024218.2); c.1054A>G, p.Ile352Val (NM_001377514.1); c.1024A>G, p.Ile342Val (NM_001377515.1); c.1015A>G, p.Ile339Val (NM_001377516.1); c.967A>G, p.Ile323Val (NM_001377517.1); c.952A>G, p.Ile318Val (NM_001377518.1); c.934A>G, p.Ile312Val (NM_001377519.1); short protein forms I312V, I342V, I323V, I332V, I339V, I299V, I352V, I318V.
Identifiers: ClinVar variation 1499758 (VCV001499758.8), dbSNP rs1446248720, ClinGen allele CA390257110.
Genomic context (GRCh38, chr14:67,023,663, plus strand): 5'-TAAATTACTGAGTTTATGCTCTTTCTACAGGTCCAGTCCAGGTGCAGCAGCAAGGAGAAC[A>G]TTCTCAGAGCCAGTAAGTATTTTACCATTTCTGGTGGGCTGCTGAACTAGAGCTTATAAA-3'
Protein context (NP_065857.1, residues 322-342): VQSRCSSKEN[Ile332Val]LRASHSAVDI